The following is an entry in ClinVar:

ClinVar aggregate classification (germline): Likely benign (1 of 4 stars; one submission).

Submission:

CeGaT Center for Human Genetics Tuebingen
Classification: Likely benign. Last evaluated: 2026-01-01. Review status: criteria provided, single submitter. Criteria: CeGaT Center For Human Genetics Tuebingen Variant Classification Criteria Version 2. Collection method: clinical testing. Allele origin: germline. Affected: yes. Observed: 7 variant alleles.
Comment: MUC5B: BP4, BP7

NM_002458.3(MUC5B):c.12516C>G (p.Leu4172=)

Genes: MUC5B (mucin 5B, oligomeric mucus/gel-forming; plus strand), MUC5B-AS1 (MUC5B antisense RNA 1; minus strand). Cytogenetic location: 11p15.5.
Variant type: single nucleotide variant.
Coding change: c.12516C>G on transcript NM_002458.3 (MANE Select); coding-DNA position 12516, C replaced by G.
Protein change: p.Leu4172=; no amino-acid change (leucine 4172 retained).
Molecular consequence: synonymous variant.
Genome position (GRCh38, 1-based): chr11:1,249,396, C>G. VCF-style: chr11-1249396-C-G. GRCh37 (hg19) VCF-style: chr11-1270626-C-G.
Identifiers: ClinVar variation 2641286 (VCV002641286.24), dbSNP rs750211702, ClinGen allele CA472454258.